The following is an entry in ClinVar:

ClinVar aggregate classification (germline): Uncertain significance (1 of 4 stars; one submission).

Submission:

GeneDx
Classification: Uncertain significance. Last evaluated: 2026-04-02. Review status: criteria provided, single submitter. Criteria: GeneDx Variant Classification Process June 2021. Collection method: clinical testing. Allele origin: germline.
Comment: Not observed at significant frequency in large population cohorts (gnomAD); In silico analysis suggests that this missense variant does not alter protein structure/function; Has not been previously published as pathogenic or benign to our knowledge

NM_001040716.2(PC):c.3531C>G (p.Ile1177Met)

Gene: PC (pyruvate carboxylase; minus strand). Cytogenetic location: 11q13.2.
Variant type: single nucleotide variant.
Coding change: c.3531C>G on transcript NM_001040716.2 (MANE Select); coding-DNA position 3531, C replaced by G.
Protein change: p.Ile1177Met; replaces isoleucine 1177 with methionine.
Molecular consequence: missense variant.
Genome position (GRCh38, 1-based): chr11:66,848,905, G>C on the plus strand (C>G on the coding strand, the complement: PC is on the minus strand). VCF-style: chr11-66848905-G-C. GRCh37 (hg19) VCF-style: chr11-66616376-G-C.
Other names: c.3531C>G, p.Ile1177Met (NM_000920.4, NM_001439352.1, NM_001439353.1 and 5 more transcripts); short protein forms I1177M.
Identifiers: ClinVar variation 5017345 (VCV005017345.1).